The following is an entry in ClinVar:

NM_001003841.3(SLC6A19):c.1888G>A (p.Gly630Arg)

Gene: SLC6A19 (solute carrier family 6 member 19; plus strand). Cytogenetic location: 5p15.33.
Variant type: single nucleotide variant.
Coding change: c.1888G>A on transcript NM_001003841.3 (MANE Select); coding-DNA position 1888, G replaced by A.
Protein change: p.Gly630Arg; replaces glycine 630 with arginine.
Molecular consequence: missense variant.
Genome position (GRCh38, 1-based): chr5:1,221,887, G>A. VCF-style: chr5-1221887-G-A. GRCh37 (hg19) VCF-style: chr5-1222002-G-A.
Other names: short protein forms G630R.
Identifiers: ClinVar variation 638526 (VCV000638526.4), dbSNP rs1298382357, ClinGen allele CA359078876.

ClinVar aggregate classification (germline): Uncertain significance. Review status: criteria provided, multiple submitters, no conflicts (2 of 4 stars). 2 submissions from 2 submitters: Uncertain significance (2). Last evaluated 2024-07-15.

Conditions:
Neutral 1 amino acid transport defect (HND). Also called: HARTNUP DISORDER; Hartnup disease. Identifiers: Orphanet 2116, MedGen C0018609, MONDO:0009324, OMIM 234500.

Allele frequency attached by ClinVar (database versions not stated): gnomAD 0.00001; gnomAD exomes 0.00001 and 0.00002; TOPMed 0.00001.
gnomAD v4.1: 21 of 1,613,980 alleles (0.0013%); highest among the groups gnomAD compares: Admixed American, 0.0067%; 1 homozygote.

Submissions (2):

Labcorp Genetics (formerly Invitae), Labcorp
Classification: Uncertain significance. Last evaluated: 2024-07-15. Review status: criteria provided, single submitter. Criteria: Invitae Variant Classification Sherloc (09022015). Collection method: clinical testing. Allele origin: germline.
Comment: This sequence change replaces glycine, which is neutral and non-polar, with arginine, which is basic and polar, at codon 630 of the SLC6A19 protein (p.Gly630Arg). This variant is present in population databases (no rsID available, gnomAD 0.006%). This variant has not been reported in the literature in individuals affected with SLC6A19-related conditions. ClinVar contains an entry for this variant (Variation ID: 638526). Advanced modeling of protein sequence and biophysical properties (such as structural, functional, and spatial information, amino acid conservation, physicochemical variation, residue mobility, and thermodynamic stability) performed at Invitae indicates that this missense variant is not expected to disrupt SLC6A19 protein function with a negative predictive value of 95%. In summary, the available evidence is currently insufficient to determine the role of this variant in disease. Therefore, it has been classified as a Variant of Uncertain Significance.

Genomic Research Center, Shahid Beheshti University of Medical Sciences
Classification: Uncertain significance for Neutral 1 amino acid transport defect. Last evaluated: 2019-04-27. Review status: criteria provided, single submitter. Criteria: ACMG Guidelines, 2015. Collection method: clinical testing. Allele origin: unknown. Affected: no.